The following is an entry in ClinVar:

NM_001130438.3(SPTAN1):c.1677C>T (p.His559=)

Gene: SPTAN1 (spectrin alpha, non-erythrocytic 1; plus strand). Cytogenetic location: 9q34.11.
Variant type: single nucleotide variant.
Coding change: c.1677C>T on transcript NM_001130438.3 (MANE Select); coding-DNA position 1677, C replaced by T.
Protein change: p.His559=; no amino-acid change (histidine 559 retained).
Molecular consequence: synonymous variant.
Genome position (GRCh38, 1-based): chr9:128,582,720, C>T. VCF-style: chr9-128582720-C-T. GRCh37 (hg19) VCF-style: chr9-131344999-C-T.
Other names: c.1677C>T, p.His559= (NM_001195532.2, NM_001363759.2, NM_001363765.2 and 1 more transcripts).
Identifiers: ClinVar variation 381336 (VCV000381336.10), dbSNP rs587784432, ClinGen allele CA5264485.

ClinVar aggregate classification (germline): Likely benign. Review status: criteria provided, multiple submitters, no conflicts (2 of 4 stars). 2 submissions from 2 submitters: Likely benign (2). Last evaluated 2023-06-29.

Conditions:
Early-infantile DEE. Also called: Ohtahara syndrome; Early infantile epileptic encephalopathy with suppression bursts; Early infantile epileptic encephalopathy. Identifiers: Orphanet 1934, MedGen C0393706, MONDO:0800491.

Allele frequency attached by ClinVar (database versions not stated): gnomAD 0.00001; gnomAD exomes 0.00001; TOPMed 0.00001; ExAC 0.00001.
gnomAD v4.1: 20 of 1,613,746 alleles (0.0012%); highest among the groups gnomAD compares: Admixed American, 0.0033%; no homozygotes.

Submissions (2):

Labcorp Genetics (formerly Invitae), Labcorp
Classification: Likely benign for Early-infantile DEE. Last evaluated: 2023-06-29. Review status: criteria provided, single submitter. Criteria: Invitae Variant Classification Sherloc (09022015). Collection method: clinical testing. Allele origin: germline.

GeneDx
Classification: Likely benign. Last evaluated: 2015-10-29. Review status: criteria provided, single submitter. Criteria: GeneDx Variant Classification (06012015). Collection method: clinical testing. Allele origin: germline. Affected: yes.
Comment: This variant is considered likely benign or benign based on one or more of the following criteria: it is a conservative change, it occurs at a poorly conserved position in the protein, it is predicted to be benign by multiple in silico algorithms, and/or has population frequency not consistent with disease.